The following is an entry in ClinVar:

ClinVar aggregate classification (germline): Uncertain significance. Review status: criteria provided, single submitter (1 of 4 stars). 2 submissions from 1 submitter: Uncertain significance (1). 1 of the submissions does not count toward it. Last evaluated 2022-12-17.

Conditions:
Branchiooculofacial syndrome (BOFS). Also called: HEMANGIOMATOUS BRANCHIAL CLEFTS-LIP PSEUDOCLEFT SYNDROME; LIP PSEUDOCLEFT-HEMANGIOMATOUS BRANCHIAL CYST SYNDROME; BOF SYNDROME; Branchio-Oculo-Facial Syndrome. Identifiers: Orphanet 1297, MedGen C0376524, MeSH D019280, MONDO:0007235, OMIM 113620.

Submissions (2):

Dubai Health Genomic Medicine Center, Dubai Health
Classification: Uncertain significance. Last evaluated: 2022-12-17. Review status: criteria provided, single submitter. Criteria: ACMG Guidelines, 2015. Collection method: clinical testing. Allele origin: germline. Affected: yes.

Dubai Health Genomic Medicine Center, Dubai Health
Classification: Uncertain significance for Branchiooculofacial syndrome. Last evaluated: 2021-02-16. Review status: flagged submission. Criteria: ACMG Guidelines, 2015. Collection method: clinical testing. Allele origin: germline. Affected: yes. Not counted in ClinVar's aggregate classification.
Comment: The p.Ala192Val missense variant in TFAP2A has not been previously reported in individuals with disease and was absent from large population studies such as the Genome Aggregation Database (gnomAD) and the Greater Middle East (GME) variome database. Computational prediction tools and conservation analyses suggest this variant may not impact the protein though this information is not predictive enough to rule out pathogenicity. In summary additional information is needed to fully assess the clinical significance of this variant.
ClinVar note: Reason: This record appears to be redundant with a more recent record from the same submitter.
ClinVar note: Notes: SCV001984197 appears to be redundant with SCV002774973.

NM_001372066.1(TFAP2A):c.581C>T (p.Ala194Val)

Genes: TFAP2A (transcription factor AP-2 alpha; minus strand), TFAP2A-AS2 (TFAP2A antisense RNA 2; plus strand), LOC121740638 (BRD4-independent group 4 enhancer GRCh37_chr6:10403277-10404476; plus strand). Cytogenetic location: 6p24.3.
Variant type: single nucleotide variant.
Coding change: c.581C>T on transcript NM_001372066.1 (MANE Select); coding-DNA position 581, C replaced by T.
Protein change: p.Ala194Val; replaces alanine 194 with valine.
Molecular consequence: missense variant. On other transcripts: non-coding transcript variant (1).
Genome position (GRCh38, 1-based): chr6:10,404,697, G>A on the plus strand (C>T on the coding strand, the complement: TFAP2A is on the minus strand). VCF-style: chr6-10404697-G-A. GRCh37 (hg19) VCF-style: chr6-10404930-G-A.
Other names: NM_003220.2:c.575C>T; c.557C>T, p.Ala186Val (NM_001032280.3); c.563C>T, p.Ala188Val (NM_001042425.3); short protein forms A186V, A188V, A194V.
Identifiers: ClinVar variation 1301619 (VCV001301619.3), dbSNP rs2114014890, ClinGen allele CA362701799.
Genomic context (GRCh38, chr6:10,404,697, plus strand): 5'-CAGAAGACTTCGTTGGGGTTCACCACGCCGCCGAAGAGGTTGTCCTTGTTAATAGGGATG[G>A]CGGAGACGGCATTGCTGTTGGACTTGGACAGGGACACGGGGCCTGCGGAGACAGAGGGGA-3'
Protein context (NP_001358995.1, residues 184-204): LSKSNSNAVS[Ala194Val]IPINKDNLFG